The following is an entry in ClinVar:

NM_000059.4(BRCA2):c.7572A>G (p.Lys2524=)

Gene: BRCA2 (BRCA2 DNA repair associated; plus strand). Cytogenetic location: 13q13.1.
Variant type: single nucleotide variant.
Coding change: c.7572A>G on transcript NM_000059.4 (MANE Select); coding-DNA position 7572, A replaced by G.
Protein change: p.Lys2524=; no amino-acid change (lysine 2524 retained).
Molecular consequence: synonymous variant. On other transcripts: non-coding transcript variant (1).
Genome position (GRCh38, 1-based): chr13:32,356,564, A>G. VCF-style: chr13-32356564-A-G. GRCh37 (hg19) VCF-style: chr13-32930701-A-G.
Other names: c.7476A>G, p.Lys2492= (NM_001406719.1); c.7572A>G, p.Lys2524= (NM_001406720.1, NM_001432077.1); c.2640A>G, p.Lys880= (NM_001406721.1); c.1155A>G, p.Lys385= (NM_001406722.1).
Identifiers: ClinVar variation 4215223 (VCV004215223.2).

ClinVar aggregate classification (germline): Likely benign. Review status: criteria provided, multiple submitters, no conflicts (2 of 4 stars). 2 submissions from 2 submitters: Likely benign (2). Last evaluated 2026-01-27.

Conditions:
Familial cancer of breast. Also called: BREAST CANCER, FAMILIAL; Hereditary breast cancer; hereditary breast carcinoma. Identifiers: Orphanet 227535, MedGen C0346153, MONDO:0016419, OMIM 114480. Disease mechanism: loss of function.
Hereditary cancer-predisposing syndrome. Also called: Neoplastic Syndromes, Hereditary; Tumor predisposition; Hereditary neoplastic syndrome; Hereditary Cancer Syndrome. Identifiers: Orphanet 140162, MedGen C0027672, MeSH D009386, MONDO:0015356.

Submissions (2):

Department of Clinical Genetics, Copenhagen University Hospital, Rigshospitalet
Classification: Likely benign for Familial cancer of breast. Last evaluated: 2026-01-27. Review status: criteria provided, single submitter. Criteria: ACMG Guidelines, 2015. Collection method: clinical testing. Allele origin: germline.
Comment: The following ACMG criteria has been used: PM2_SUP; BS3; BP4

Ambry Genetics
Classification: Likely benign for Hereditary cancer-predisposing syndrome. Last evaluated: 2025-06-23. Review status: criteria provided, single submitter. Criteria: Ambry Variant Classification Scheme 2023. Collection method: clinical testing. Allele origin: germline.

Literature cited by the submitters: PubMed 39779857 (cited by Department of Clinical Genetics, Copenhagen University Hospital, Rigshospitalet); PubMed 39779848 (cited by Department of Clinical Genetics, Copenhagen University Hospital, Rigshospitalet).